The following is an entry in ClinVar:

NM_199420.4(POLQ):c.2384A>G (p.Asp795Gly)

Gene: POLQ (DNA polymerase theta; minus strand). Cytogenetic location: 3q13.33.
Variant type: single nucleotide variant.
Coding change: c.2384A>G on transcript NM_199420.4 (MANE Select); coding-DNA position 2384, A replaced by G.
Protein change: p.Asp795Gly; replaces aspartic acid 795 with glycine.
Molecular consequence: missense variant.
Genome position (GRCh38, 1-based): chr3:121,493,616, T>C on the plus strand (A>G on the coding strand, the complement: POLQ is on the minus strand). VCF-style: chr3-121493616-T-C. GRCh37 (hg19) VCF-style: chr3-121212463-T-C.
Other names: short protein forms D795G.
Identifiers: ClinVar variation 1790469 (VCV001790469.2), dbSNP rs1355129356, ClinGen allele CA354107981.
Genomic context (GRCh38, chr3:121,493,616, plus strand): 5'-AAGCCAGAAGCATAGAGAACCCTGGCTCTCTGAGCATTTAGTAAGGATACCCGAACCAGG[T>C]CACACAGCTCCCTCTGGATGCCAAACGTAAGACGCTTCTGAAATTGGGAAAGTAGTAGTT-3'
Protein context (NP_955452.3, residues 785-805): LTFGIQRELC[Asp795Gly]LVRVSLLNAQ

ClinVar aggregate classification (germline): Uncertain significance (1 of 4 stars; one submission).

Allele frequency attached by ClinVar (database versions not stated): gnomAD 0.00001.
gnomAD v4.1: 4 of 1,613,992 alleles (0.00025%); highest among the groups gnomAD compares: African/African-American, 0.0053%; no homozygotes.

Submission:

Ambry Genetics
Classification: Uncertain significance. Last evaluated: 2024-03-21. Review status: criteria provided, single submitter. Criteria: Ambry Variant Classification Scheme 2023. Collection method: clinical testing. Allele origin: germline.
Comment: The p.D795G variant (also known as c.2384A>G), located in coding exon 15 of the POLQ gene, results from an A to G substitution at nucleotide position 2384. The aspartic acid at codon 795 is replaced by glycine, an amino acid with similar properties. This amino acid position is conserved. In addition, the in silico prediction for this alteration is inconclusive. Since supporting evidence is limited at this time, the clinical significance of this alteration remains unclear.